The following is an entry in ClinVar:

NM_001174150.2(ARL13B):c.830del (p.Asn277fs)

Gene: ARL13B (ARF like GTPase 13B; plus strand). Cytogenetic location: 3q11.2.
Variant type: Deletion.
Coding change: c.830del on transcript NM_001174150.2 (MANE Select); coding-DNA position 830, one base deleted (A; older notation c.830delA).
Protein change: p.Asn277fs; shifts the reading frame from asparagine 277.
Molecular consequence: frameshift variant. On other transcripts: non-coding transcript variant (2).
Genome position (GRCh38, 1-based): chr3:94,043,046, A deleted; the last of 8 consecutive A bases (chr3:94,043,039-94,043,046); deleting any one gives the same sequence. VCF-style (leftmost placement, unchanged base first): chr3-94043038-GA-G. GRCh37 (hg19) VCF-style: chr3-93761882-GA-G.
Other names: c.521del, p.Asn174fs (NM_001174151.2); c.785del, p.Asn262fs (NM_001321328.2); c.830delA, p.Asn277Thrfs (NM_001410782.1); c.509del, p.Asn170fs (NM_144996.4); c.830del, p.Asn277fs (NM_182896.3); c.830delA (NM_182896.3); short protein forms N170fs, N277fs, N174fs, N262fs.
Identifiers: ClinVar variation 1896131 (VCV001896131.5), dbSNP rs752472169, ClinGen allele CA545016922.

ClinVar aggregate classification (germline): Pathogenic/Likely pathogenic. Review status: criteria provided, multiple submitters, no conflicts (2 of 4 stars). 2 submissions from 2 submitters: Pathogenic (1); Likely pathogenic (1). Last evaluated 2025-09-19.

Conditions:
Joubert syndrome 8 (JBTS8). Identifiers: Orphanet 475, MedGen C2676771, MONDO:0012855, OMIM 612291.

Submissions (2):

First Genomix Gene Laboratory, Genetic Diagnostics Department
Classification: Likely pathogenic for Joubert syndrome 8. Last evaluated: 2025-09-19. Review status: criteria provided, single submitter. Criteria: ACMG Guidelines, 2015. Collection method: clinical testing. Allele origin: germline. Inheritance: Autosomal recessive inheritance. Affected: no. Observed: 1 variant allele.

Labcorp Genetics (formerly Invitae), Labcorp
Classification: Pathogenic for Joubert syndrome 8. Last evaluated: 2025-04-11. Review status: criteria provided, single submitter. Criteria: Invitae Variant Classification Sherloc (09022015). Collection method: clinical testing. Allele origin: germline.
Comment: This sequence change creates a premature translational stop signal (p.Asn277Thrfs*13) in the ARL13B gene. It is expected to result in an absent or disrupted protein product. Loss-of-function variants in ARL13B are known to be pathogenic (PMID: 18674751). This variant is not present in population databases (gnomAD no frequency). This variant has not been reported in the literature in individuals affected with ARL13B-related conditions. ClinVar contains an entry for this variant (Variation ID: 1896131). For these reasons, this variant has been classified as Pathogenic.

Literature cited by the submitters: PubMed 18674751 (cited by Labcorp Genetics (formerly Invitae), Labcorp).